The following is an entry in ClinVar:

NM_021815.5(SLC5A7):c.1132G>T (p.Val378Phe)

Gene: SLC5A7 (solute carrier family 5 member 7; plus strand). Cytogenetic location: 2q12.3.
Variant type: single nucleotide variant.
Coding change: c.1132G>T on transcript NM_021815.5 (MANE Select); coding-DNA position 1132, G replaced by T.
Protein change: p.Val378Phe; replaces valine 378 with phenylalanine.
Molecular consequence: missense variant.
Genome position (GRCh38, 1-based): chr2:108,010,250, G>T. VCF-style: chr2-108010250-G-T. GRCh37 (hg19) VCF-style: chr2-108626706-G-T.
Other names: c.1132G>T, p.Val378Phe (NM_001305005.3); c.817G>T, p.Val273Phe (NM_001305006.3); c.391G>T, p.Val131Phe (NM_001305007.3); short protein forms V273F, V378F, V131F.
Identifiers: ClinVar variation 2933837 (VCV002933837.3), dbSNP rs763020957, ClinGen allele CA348113919.
Genomic context (GRCh38, chr2:108,010,250, plus strand): 5'-AGACACTGTGCAAAAAGCTGACACTGTGGCAATTTCTTACAGGCTTCGGACAAAGAAATC[G>T]TTTGGGTTATGCGAATCACAGTGTTTGTGTTTGGAGCATCTGCAACAGCCATGGCCTTGC-3'
Protein context (NP_068587.1, residues 368-388): FRQNASDKEI[Val378Phe]WVMRITVFVF

ClinVar aggregate classification (germline): Uncertain significance (1 of 4 stars; one submission).

Conditions:
Congenital myasthenic syndrome 20. Also called: Myasthenic syndrome, congenital, 20, presynaptic. Identifiers: MedGen C4310694, MONDO:0014939, OMIM 617143.
Neuronopathy, distal hereditary motor, type 7A. Also called: Neuronopathy, distal hereditary motor, type viia; HARPER-YOUNG MYOPATHY; HMN VIIA; NEURONOPATHY, DISTAL HEREDITARY MOTOR, HARDING TYPE VIIA; NEUROPATHY, DISTAL HEREDITARY MOTOR, HARDING TYPE VIIA; Neuronopathy, distal hereditary motor, autosomal dominant 7. Identifiers: Orphanet 139589, MedGen C1834703, MONDO:0008024, OMIM 158580.

Submission:

Labcorp Genetics (formerly Invitae), Labcorp
Classification: Uncertain significance for Neuronopathy, distal hereditary motor, type 7A; Congenital myasthenic syndrome 20. Last evaluated: 2023-08-25. Review status: criteria provided, single submitter. Criteria: Invitae Variant Classification Sherloc (09022015). Collection method: clinical testing. Allele origin: germline.
Comment: In summary, the available evidence is currently insufficient to determine the role of this variant in disease. Therefore, it has been classified as a Variant of Uncertain Significance. Advanced modeling of protein sequence and biophysical properties (such as structural, functional, and spatial information, amino acid conservation, physicochemical variation, residue mobility, and thermodynamic stability) performed at Invitae indicates that this missense variant is not expected to disrupt SLC5A7 protein function. This variant has not been reported in the literature in individuals affected with SLC5A7-related conditions. This variant is not present in population databases (gnomAD no frequency). This sequence change replaces valine, which is neutral and non-polar, with phenylalanine, which is neutral and non-polar, at codon 378 of the SLC5A7 protein (p.Val378Phe).